The following is an entry in ClinVar:

ClinVar aggregate classification (germline): Uncertain significance (1 of 4 stars; one submission).

Submission:

Labcorp Genetics (formerly Invitae), Labcorp
Classification: Uncertain significance. Last evaluated: 2024-04-22. Review status: criteria provided, single submitter. Criteria: Invitae Variant Classification Sherloc (09022015). Collection method: clinical testing. Allele origin: germline.
Comment: This sequence change affects a donor splice site in intron 12 of the HMCN1 gene. It is expected to disrupt RNA splicing. Variants that disrupt the donor or acceptor splice site typically lead to a loss of protein function (PMID: 16199547), however the current clinical and genetic evidence is not sufficient to establish whether loss-of-function variants in HMCN1 cause disease. This variant is not present in population databases (gnomAD no frequency). This variant has not been reported in the literature in individuals affected with HMCN1-related conditions. Algorithms developed to predict the effect of sequence changes on RNA splicing suggest that this variant may disrupt the consensus splice site. In summary, the available evidence is currently insufficient to determine the role of this variant in disease. Therefore, it has been classified as a Variant of Uncertain Significance.

Literature cited by the submitters: PubMed 16199547.

NM_031935.3(HMCN1):c.1970+1G>A

Gene: HMCN1 (hemicentin 1; plus strand). Cytogenetic location: 1q31.1.
Variant type: single nucleotide variant.
Coding change: c.1970+1G>A on transcript NM_031935.3 (MANE Select); the canonical splice donor site of the intron after coding-DNA position 1970, G replaced by A.
Molecular consequence: splice donor variant.
Genome position (GRCh38, 1-based): chr1:185,962,660, G>A. VCF-style: chr1-185962660-G-A. GRCh37 (hg19) VCF-style: chr1-185931792-G-A.
Identifiers: ClinVar variation 3650580 (VCV003650580.2).